The following is an entry in ClinVar:

NM_017780.4(CHD7):c.7868C>T (p.Pro2623Leu)

Gene: CHD7 (chromodomain helicase DNA binding protein 7; plus strand). Cytogenetic location: 8q12.2.
Variant type: single nucleotide variant.
Coding change: c.7868C>T on transcript NM_017780.4 (MANE Select); coding-DNA position 7868, C replaced by T.
Protein change: p.Pro2623Leu; replaces proline 2623 with leucine.
Molecular consequence: missense variant.
Genome position (GRCh38, 1-based): chr8:60,862,233, C>T. VCF-style: chr8-60862233-C-T. GRCh37 (hg19) VCF-style: chr8-61774792-C-T.
Other names: c.1721C>T, p.Pro574Leu (NM_001316690.1); short protein forms P2623L, P574L.
Identifiers: ClinVar variation 1305487 (VCV001305487.6), dbSNP rs1468230389, ClinGen allele CA371305245.
Genomic context (GRCh38, chr8:60,862,233, plus strand): 5'-TAAATATGTTTTTTCTTTTGCAGAAGAATGCAGATGTGCTGTTTTCCTCATTTCAGAAAC[C>T]GAAACAGAAACGACATAGATGTCGAAACCCTAATAAATTGGATATAAACACTTTGACAGG-3'
Protein context (NP_060250.2, residues 2613-2633): ADVLFSSFQK[Pro2623Leu]KQKRHRCRNP

ClinVar aggregate classification (germline): Conflicting classifications of pathogenicity. Review status: criteria provided, conflicting classifications (1 of 4 stars). 3 submissions from 3 submitters: Uncertain significance (2); Likely benign (1). Last evaluated 2023-11-27.

Conditions:
CHARGE syndrome (CHARGE). Also called: Hittner Hirsch Kreh syndrome; CHARGE ASSOCIATION--COLOBOMA, HEART ANOMALY, CHOANAL ATRESIA, RETARDATION, GENITAL AND EAR ANOMALIES; Coloboma, heart anomaly, choanal atresia, retardation, genital and ear anomalies; CHARGE association; Hall-Hittner syndrome. Identifiers: Orphanet 138, MedGen C0265354, MONDO:0008965.
Hypogonadotropic hypogonadism 5 with or without anosmia (KAL5). Also called: HYPOGONADOTROPIC HYPOGONADISM 5 WITH ANOSMIA; CHD7-Related GnRH Deficiency (Kallmann Syndrome 5); HYPOGONADOTROPHIC HYPOGONADISM 5 WITHOUT ANOSMIA. Identifiers: Orphanet 478, MedGen C3552553, MONDO:0012880, OMIM 612370. Disease mechanism: loss of function.

Allele frequency attached by ClinVar (database versions not stated): gnomAD exomes 0.00001.
gnomAD v4.1: 6 of 1,611,044 alleles (0.00037%); highest among the groups gnomAD compares: East Asian, 0.0022%; no homozygotes.

Submissions (3):

Labcorp Genetics (formerly Invitae), Labcorp
Classification: Likely benign for CHARGE syndrome. Last evaluated: 2023-11-27. Review status: criteria provided, single submitter. Criteria: Invitae Variant Classification Sherloc (09022015). Collection method: clinical testing. Allele origin: germline.

Fulgent Genetics
Classification: Uncertain significance for CHD7-related CHARGE syndrome; Hypogonadotropic hypogonadism 5 with or without anosmia. Last evaluated: 2021-10-28. Review status: criteria provided, single submitter. Criteria: ACMG Guidelines, 2015. Collection method: clinical testing. Allele origin: unknown.

GeneDx
Classification: Uncertain significance. Last evaluated: 2019-04-30. Review status: criteria provided, single submitter. Criteria: GeneDx Variant Classification Process June 2021. Collection method: clinical testing. Allele origin: germline. Affected: yes.
Comment: In silico analysis, which includes protein predictors and evolutionary conservation, supports a deleterious effect; Has not been previously published as pathogenic or benign to our knowledge